The following is an entry in ClinVar:

ClinVar aggregate classification (germline): Conflicting classifications of pathogenicity. Review status: criteria provided, conflicting classifications (1 of 4 stars). 6 submissions from 6 submitters: Uncertain significance (5); Likely benign (1). Last evaluated 2025-11-05.

Conditions:
Breast-ovarian cancer, familial, susceptibility to, 5 (BROVCA5). Identifiers: MedGen C5830615, MONDO:0957530, OMIM 620442.
Hereditary cancer-predisposing syndrome. Also called: Hereditary Cancer Syndrome; Hereditary neoplastic syndrome; Neoplastic Syndromes, Hereditary; Tumor predisposition. Identifiers: Orphanet 140162, MedGen C0027672, MeSH D009386, MONDO:0015356.
Familial cancer of breast. Also called: Hereditary breast cancer; BREAST CANCER, FAMILIAL; hereditary breast carcinoma. Identifiers: Orphanet 227535, MedGen C0346153, MONDO:0016419, OMIM 114480. Disease mechanism: loss of function.

Allele frequency attached by ClinVar (database versions not stated): gnomAD exomes below 0.00001; ExAC 0.00001; gnomAD 0.00001; 1000 Genomes Project 30x 0.00016; 1000 Genomes Project 0.00020.
gnomAD v4.1: 4 of 1,614,178 alleles (0.00025%); highest among the groups gnomAD compares: South Asian, 0.0033%; no homozygotes.

Submissions (6):

Labcorp Genetics (formerly Invitae), Labcorp
Classification: Uncertain significance for Familial cancer of breast. Last evaluated: 2025-11-05. Review status: criteria provided, single submitter. Criteria: Invitae Variant Classification Sherloc (09022015). Collection method: clinical testing. Allele origin: germline.
Comment: This sequence change replaces proline, which is neutral and non-polar, with serine, which is neutral and polar, at codon 726 of the PALB2 protein (p.Pro726Ser). This variant is present in population databases (rs566813395, gnomAD 0.003%). This variant has not been reported in the literature in individuals affected with PALB2-related conditions. ClinVar contains an entry for this variant (Variation ID: 216744). Invitae Evidence Modeling of protein sequence and biophysical properties (such as structural, functional, and spatial information, amino acid conservation, physicochemical variation, residue mobility, and thermodynamic stability) indicates that this missense variant is not expected to disrupt PALB2 protein function with a negative predictive value of 80%. In summary, the available evidence is currently insufficient to determine the role of this variant in disease. Therefore, it has been classified as a Variant of Uncertain Significance.

Ambry Genetics
Classification: Uncertain significance for Hereditary cancer-predisposing syndrome. Last evaluated: 2025-04-12. Review status: criteria provided, single submitter. Criteria: Ambry Variant Classification Scheme 2023. Collection method: clinical testing. Allele origin: germline.
Comment: The p.P726S variant (also known as c.2176C>T), located in coding exon 5 of the PALB2 gene, results from a C to T substitution at nucleotide position 2176. The proline at codon 726 is replaced by serine, an amino acid with similar properties. This amino acid position is highly conserved in available vertebrate species. In addition, this alteration is predicted to be tolerated by in silico analysis. Since supporting evidence is limited at this time, the clinical significance of this alteration remains unclear.

Color Diagnostics, LLC DBA Color Health
Classification: Uncertain significance for Hereditary cancer-predisposing syndrome. Last evaluated: 2024-07-28. Review status: criteria provided, single submitter. Criteria: ACMG Guidelines, 2015. Collection method: clinical testing. Allele origin: germline.
Comment: This missense variant replaces proline with serine at codon 726 of the PALB2 protein. Computational prediction suggests that this variant may not impact protein structure and function. To our knowledge, functional studies have not been reported for this variant. This variant has not been reported in individuals affected with hereditary cancer in the literature. This variant has been identified in 1/251488 chromosomes in the general population by the Genome Aggregation Database (gnomAD). The available evidence is insufficient to determine the role of this variant in disease conclusively. Therefore, this variant is classified as a Variant of Uncertain Significance.

Myriad Genetics, Inc.
Classification: Likely benign for Familial cancer of breast. Last evaluated: 2023-02-09. Review status: criteria provided, single submitter. Criteria: Myriad Autosomal Dominant, Autosomal Recessive and X-Linked Classification Criteria (2023). Collection method: clinical testing. Allele origin: unknown.
Comment: This variant is considered likely benign. This variant is strongly associated with less severe personal and family histories of cancer, typical for individuals without pathogenic variants in this gene [PMID: 25085752].

Department of Pathology and Laboratory Medicine, Sinai Health System
Classification: Uncertain significance for Breast-ovarian cancer, familial, susceptibility to, 5. Last evaluated: 2020-04-03. Review status: criteria provided, single submitter. Criteria: ACMG Guidelines, 2015. Collection method: clinical testing. Allele origin: germline. Affected: yes.

GeneDx
Classification: Uncertain significance. Last evaluated: 2019-06-12. Review status: criteria provided, single submitter. Criteria: GeneDx Variant Classification Process June 2021. Collection method: clinical testing. Allele origin: germline. Affected: yes.
Comment: Not observed at a significant frequency in large population cohorts (Lek et al., 2016); Has not been previously published as pathogenic or benign to our knowledge

Literature cited by the submitters: PubMed 25085752 (cited by Myriad Genetics, Inc.).

NM_024675.4(PALB2):c.2176C>T (p.Pro726Ser)

Gene: PALB2 (partner and localizer of BRCA2; minus strand). Cytogenetic location: 16p12.2.
Variant type: single nucleotide variant.
Coding change: c.2176C>T on transcript NM_024675.4 (MANE Select); coding-DNA position 2176, C replaced by T.
Protein change: p.Pro726Ser; replaces proline 726 with serine.
Molecular consequence: missense variant.
Genome position (GRCh38, 1-based): chr16:23,629,978, G>A on the plus strand (C>T on the coding strand, the complement: PALB2 is on the minus strand). VCF-style: chr16-23629978-G-A. GRCh37 (hg19) VCF-style: chr16-23641299-G-A.
Other names: short protein forms P726S.
Identifiers: ClinVar variation 216744 (VCV000216744.23), dbSNP rs566813395, ClinGen allele CA337127.